The following is an entry in ClinVar:

NM_020745.4(AARS2):c.2793+191A>C

Gene: AARS2 (alanyl-tRNA synthetase 2, mitochondrial; minus strand). Cytogenetic location: 6p21.1.
Variant type: single nucleotide variant.
Coding change: c.2793+191A>C on transcript NM_020745.4 (MANE Select); 191 bases into the intron after coding-DNA position 2793, A replaced by C.
Molecular consequence: intron variant.
Genome position (GRCh38, 1-based): chr6:44,300,965, T>G on the plus strand (A>C on the coding strand, the complement: AARS2 is on the minus strand). VCF-style: chr6-44300965-T-G. GRCh37 (hg19) VCF-style: chr6-44268702-T-G.
Identifiers: ClinVar variation 673635 (VCV000673635.1), dbSNP rs111611268, ClinGen allele CA138384095.

ClinVar aggregate classification (germline): Likely benign (1 of 4 stars; one submission).

Allele frequency attached by ClinVar (database versions not stated): gnomAD exomes 0.00071; gnomAD 0.00557 and 0.00590; TOPMed 0.00605; 1000 Genomes Project 30x 0.00921; 1000 Genomes Project 0.01018.
gnomAD v4.1: 1,267 of 714,920 alleles (0.18%); highest among the groups gnomAD compares: African/African-American, 2%; 13 homozygotes.

Submission:

GeneDx
Classification: Likely benign. Last evaluated: 2018-06-16. Review status: criteria provided, single submitter. Criteria: GeneDx Variant Classification (06012015). Collection method: clinical testing. Allele origin: germline. Affected: yes.
Comment: This variant is considered likely benign or benign based on one or more of the following criteria: it is a conservative change, it occurs at a poorly conserved position in the protein, it is predicted to be benign by multiple in silico algorithms, and/or has population frequency not consistent with disease.